The following is an entry in ClinVar:

NM_001130009.3(GEN1):c.1262C>G (p.Pro421Arg)

Gene: GEN1 (GEN1 structure-specific endonuclease; plus strand). Cytogenetic location: 2p24.2.
Variant type: single nucleotide variant.
Coding change: c.1262C>G on transcript NM_001130009.3 (MANE Select); coding-DNA position 1262, C replaced by G.
Protein change: p.Pro421Arg; replaces proline 421 with arginine.
Molecular consequence: missense variant.
Genome position (GRCh38, 1-based): chr2:17,778,061, C>G. VCF-style: chr2-17778061-C-G. GRCh37 (hg19) VCF-style: chr2-17959328-C-G.
Other names: c.1262C>G (NM_001130009.1); c.1262C>G, p.Pro421Arg (NM_182625.5); short protein forms P421R.
Identifiers: ClinVar variation 1059164 (VCV001059164.10), dbSNP rs769860486, ClinGen allele CA1540718.

ClinVar aggregate classification (germline): Uncertain significance. Review status: criteria provided, multiple submitters, no conflicts (2 of 4 stars). 2 submissions from 2 submitters: Uncertain significance (2). Last evaluated 2024-12-15.

Allele frequency attached by ClinVar (database versions not stated): TOPMed below 0.00001; ExAC 0.00001; gnomAD 0.00001; gnomAD exomes 0.00001.
gnomAD v4.1: 8 of 1,582,702 alleles (0.00051%); highest among the groups gnomAD compares: Admixed American, 0.0034%; no homozygotes.

Submissions (2):

Ambry Genetics
Classification: Uncertain significance. Last evaluated: 2024-12-15. Review status: criteria provided, single submitter. Criteria: Ambry Variant Classification Scheme 2023. Collection method: clinical testing. Allele origin: germline.
Comment: The p.P421R variant (also known as c.1262C>G), located in coding exon 11 of the GEN1 gene, results from a C to G substitution at nucleotide position 1262. The proline at codon 421 is replaced by arginine, an amino acid with dissimilar properties. This amino acid position is conserved. In addition, the in silico prediction for this alteration is inconclusive. Based on the available evidence, the clinical significance of this variant remains unclear.

Labcorp Genetics (formerly Invitae), Labcorp
Classification: Uncertain significance. Last evaluated: 2024-03-16. Review status: criteria provided, single submitter. Criteria: Invitae Variant Classification Sherloc (09022015). Collection method: clinical testing. Allele origin: germline.
Comment: This sequence change replaces proline, which is neutral and non-polar, with arginine, which is basic and polar, at codon 421 of the GEN1 protein (p.Pro421Arg). This variant is present in population databases (rs769860486, gnomAD 0.003%). This variant has not been reported in the literature in individuals affected with GEN1-related conditions. ClinVar contains an entry for this variant (Variation ID: 1059164). An algorithm developed to predict the effect of missense changes on protein structure and function (PolyPhen-2) suggests that this variant is likely to be disruptive. In summary, the available evidence is currently insufficient to determine the role of this variant in disease. Therefore, it has been classified as a Variant of Uncertain Significance.